The following is an entry in ClinVar:

NM_004924.6(ACTN4):c.491C>T (p.Ser164Leu)

Gene: ACTN4 (actinin alpha 4; plus strand). Cytogenetic location: 19q13.2.
Variant type: single nucleotide variant.
Coding change: c.491C>T on transcript NM_004924.6 (MANE Select); coding-DNA position 491, C replaced by T.
Protein change: p.Ser164Leu; replaces serine 164 with leucine.
Molecular consequence: missense variant.
Genome position (GRCh38, 1-based): chr19:38,706,050, C>T. VCF-style: chr19-38706050-C-T. GRCh37 (hg19) VCF-style: chr19-39196690-C-T.
Other names: c.491C>T, p.Ser164Leu (NM_001322033.2, NM_001411143.1); short protein forms S164L.
Identifiers: ClinVar variation 3775249 (VCV003775249.1).

ClinVar aggregate classification (germline): Uncertain significance (1 of 4 stars; one submission).

Conditions:
Focal segmental glomerulosclerosis 1 (FSGS1). Identifiers: Orphanet 656, MedGen C4551527, MONDO:0011303, OMIM 603278.

Submission:

3billion
Classification: Uncertain significance for Focal segmental glomerulosclerosis 1. Last evaluated: 2023-12-26. Review status: criteria provided, single submitter. Criteria: ACMG Guidelines, 2015. Collection method: clinical testing. Allele origin: germline. Affected: yes.
Comment: The variant is not observed in the gnomAD v2.1.1 dataset. Predicted Consequence/Location: Missense changes are a common disease-causing mechanism. In silico tool predictions suggest damaging effect of the variant on gene or gene product [REVEL: 0.92 (>=0.6, sensitivity 0.68 and specificity 0.92); 3Cnet: 0.48 (>=0.6, sensitivity 0.72 and precision 0.9)]. Therefore, this variant is classified as VUS according to the recommendation of ACMG/AMP guideline.